The following is an entry in ClinVar:

ClinVar aggregate classification (germline): Uncertain significance (1 of 4 stars; one submission).

gnomAD v4.1: 13 of 1,614,066 alleles (0.00081%); highest among the groups gnomAD compares: Non-Finnish European, 0.001%; no homozygotes.

Submission:

Labcorp Genetics (formerly Invitae), Labcorp
Classification: Uncertain significance. Last evaluated: 2025-09-06. Review status: criteria provided, single submitter. Criteria: Invitae Variant Classification Sherloc (09022015). Collection method: clinical testing. Allele origin: germline.
Comment: This sequence change replaces histidine, which is basic and polar, with arginine, which is basic and polar, at codon 1053 of the ERBIN protein (p.His1053Arg). This variant is not present in population databases (gnomAD no frequency). This variant has not been reported in the literature in individuals affected with ERBIN-related conditions. An algorithm developed to predict the effect of missense changes on protein structure and function (PolyPhen-2) suggests that this variant is likely to be disruptive. In summary, the available evidence is currently insufficient to determine the role of this variant in disease. Therefore, it has been classified as a Variant of Uncertain Significance.

NM_001253697.2(ERBIN):c.3158A>G (p.His1053Arg)

Gene: ERBIN (erbb2 interacting protein; plus strand). Cytogenetic location: 5q12.3.
Variant type: single nucleotide variant.
Coding change: c.3158A>G on transcript NM_001253697.2 (MANE Select); coding-DNA position 3158, A replaced by G.
Protein change: p.His1053Arg; replaces histidine 1053 with arginine.
Molecular consequence: missense variant.
Genome position (GRCh38, 1-based): chr5:66,054,476, A>G. VCF-style: chr5-66054476-A-G. GRCh37 (hg19) VCF-style: chr5-65350304-A-G.
Other names: c.3158A>G, p.His1053Arg (NM_001006600.3, NM_001253698.2, NM_001253699.2 and 1 more transcripts); c.3146A>G, p.His1049Arg (NM_001253701.2); short protein forms H1053R, H1049R.
Identifiers: ClinVar variation 4695652 (VCV004695652.1).